The following is an entry in ClinVar:

NM_018112.3(TMEM38B):c.269+95C>T

Gene: TMEM38B (transmembrane protein 38B; plus strand). Cytogenetic location: 9q31.2.
Variant type: single nucleotide variant.
Coding change: c.269+95C>T on transcript NM_018112.3 (MANE Select); 95 bases into the intron after coding-DNA position 269, C replaced by T.
Molecular consequence: intron variant.
Genome position (GRCh38, 1-based): chr9:105,705,848, C>T. VCF-style: chr9-105705848-C-T. GRCh37 (hg19) VCF-style: chr9-108468129-C-T.
Identifiers: ClinVar variation 674963 (VCV000674963.2), dbSNP rs3817141, ClinGen allele CA198226916.

ClinVar aggregate classification (germline): Benign. Review status: criteria provided, multiple submitters, no conflicts (2 of 4 stars). 2 submissions from 2 submitters: Benign (2). Last evaluated 2018-06-14.

Allele frequency attached by ClinVar (database versions not stated): gnomAD 0.23630 and 0.23919; TOPMed 0.25560; 1000 Genomes Project 0.32228; 1000 Genomes Project 30x 0.32292.

Submissions (2):

GeneDx
Classification: Benign. Last evaluated: 2018-06-14. Review status: criteria provided, single submitter. Criteria: GeneDx Variant Classification (06012015). Collection method: clinical testing. Allele origin: germline. Affected: yes.
Comment: This variant is considered likely benign or benign based on one or more of the following criteria: it is a conservative change, it occurs at a poorly conserved position in the protein, it is predicted to be benign by multiple in silico algorithms, and/or has population frequency not consistent with disease.

Breakthrough Genomics
Classification: Benign. Review status: criteria provided, single submitter. Criteria: ACMG Guidelines, 2015. Collection method: not provided. Allele origin: germline. Inheritance: Autosomal recessive inheritance. Affected: yes.